The following is an entry in ClinVar:

NM_001242908.2(RSPO1):c.461C>T (p.Ser154Phe)

Gene: RSPO1 (R-spondin 1; minus strand). Cytogenetic location: 1p34.3.
Variant type: single nucleotide variant.
Coding change: c.461C>T on transcript NM_001242908.2 (MANE Select); coding-DNA position 461, C replaced by T.
Protein change: p.Ser154Phe; replaces serine 154 with phenylalanine.
Molecular consequence: missense variant. On other transcripts: intron variant (1).
Genome position (GRCh38, 1-based): chr1:37,613,868, G>A on the plus strand (C>T on the coding strand, the complement: RSPO1 is on the minus strand). VCF-style: chr1-37613868-G-A. GRCh37 (hg19) VCF-style: chr1-38079540-G-A.
Other names: c.461C>T, p.Ser154Phe (NM_001038633.4); c.380C>T, p.Ser127Phe (NM_001242909.2); c.436+316C>T (NM_001242910.2); short protein forms S127F, S154F.
Identifiers: ClinVar variation 2167160 (VCV002167160.4), dbSNP rs746445064, ClinGen allele CA772615.
Genomic context (GRCh38, chr1:37,613,868, plus strand): 5'-TCCTCGGAGCCCCTCCGGAAACCACAGAGCTGCTGCTTCTTGGAGCAGGGCCCCCACGGA[G>A]ACCACTCGCTCATTTCACATTGCGCTGGCAGGAAGAGAAGGGAAGGGAGAGAAGGACAAG-3'
Protein context (NP_001229837.1, residues 144-164): SPAQCEMSEW[Ser154Phe]PWGPCSKKQQ

ClinVar aggregate classification (germline): Uncertain significance (1 of 4 stars; one submission).

Allele frequency attached by ClinVar (database versions not stated): TOPMed 0.00002; gnomAD 0.00003; gnomAD exomes 0.00004; ExAC 0.00005.
gnomAD v4.1: 56 of 1,613,992 alleles (0.0035%); highest among the groups gnomAD compares: Non-Finnish European, 0.0041%; no homozygotes.

Submission:

Labcorp Genetics (formerly Invitae), Labcorp
Classification: Uncertain significance. Last evaluated: 2022-08-08. Review status: criteria provided, single submitter. Criteria: Invitae Variant Classification Sherloc (09022015). Collection method: clinical testing. Allele origin: germline.
Comment: In summary, the available evidence is currently insufficient to determine the role of this variant in disease. Therefore, it has been classified as a Variant of Uncertain Significance. Algorithms developed to predict the effect of missense changes on protein structure and function are either unavailable or do not agree on the potential impact of this missense change (SIFT: "Deleterious"; PolyPhen-2: "Probably Damaging"; Align-GVGD: "Class C15"). This sequence change replaces serine, which is neutral and polar, with phenylalanine, which is neutral and non-polar, at codon 154 of the RSPO1 protein (p.Ser154Phe). This variant is present in population databases (rs746445064, gnomAD 0.004%). This variant has not been reported in the literature in individuals affected with RSPO1-related conditions.